The following is an entry in ClinVar:

ClinVar aggregate classification (germline): Uncertain significance (1 of 4 stars; one submission).

Conditions:
Tuberous sclerosis 2 (TSC2). Identifiers: Orphanet 805, MedGen C1860707, MONDO:0013199, OMIM 613254.

Submission:

Labcorp Genetics (formerly Invitae), Labcorp
Classification: Uncertain significance for Tuberous sclerosis 2. Last evaluated: 2018-11-20. Review status: criteria provided, single submitter. Criteria: Invitae Variant Classification Sherloc (09022015). Collection method: clinical testing. Allele origin: germline.
Comment: This sequence change falls in intron 41 of the TSC2 gene. It does not directly change the encoded amino acid sequence of the TSC2 protein. This variant is not present in population databases (ExAC no frequency). This variant has not been reported in the literature in individuals with TSC2-related disease. Algorithms developed to predict the effect of sequence changes on RNA splicing suggest that this variant may disrupt the consensus splice site, but this prediction has not been confirmed by published transcriptional studies. In summary, the available evidence is currently insufficient to determine the role of this variant in disease. Therefore, it has been classified as a Variant of Uncertain Significance.

NM_000548.5(TSC2):c.5260-7C>A

Gene: TSC2 (TSC complex subunit 2; plus strand). Cytogenetic location: 16p13.3.
Variant type: single nucleotide variant.
Coding change: c.5260-7C>A on transcript NM_000548.5 (MANE Select); 7 bases into the intron before coding-DNA position 5260, C replaced by A.
Molecular consequence: intron variant.
Genome position (GRCh38, 1-based): chr16:2,088,439, C>A. VCF-style: chr16-2088439-C-A. GRCh37 (hg19) VCF-style: chr16-2138440-C-A.
Other names: c.5191-7C>A (NM_001114382.3); c.5131-7C>A (NM_021055.3); c.5119-7C>A (NM_001370405.1); c.5062-7C>A (NM_001363528.2); c.5128-7C>A (NM_001370404.1); c.5059-7C>A (NM_001077183.3); c.4951-7C>A (NM_001318827.2); c.4528-7C>A (NM_001318831.2); and 2 more.
Identifiers: ClinVar variation 644670 (VCV000644670.1), dbSNP rs1596462958, ClinGen allele CA915946267.